The following is an entry in ClinVar:

ClinVar aggregate classification (germline): Uncertain significance (1 of 4 stars; one submission).

Submission:

Labcorp Genetics (formerly Invitae), Labcorp
Classification: Uncertain significance. Last evaluated: 2022-11-25. Review status: criteria provided, single submitter. Criteria: Invitae Variant Classification Sherloc (09022015). Collection method: clinical testing. Allele origin: germline.
Comment: In summary, the available evidence is currently insufficient to determine the role of this variant in disease. Therefore, it has been classified as a Variant of Uncertain Significance. Advanced modeling of protein sequence and biophysical properties (such as structural, functional, and spatial information, amino acid conservation, physicochemical variation, residue mobility, and thermodynamic stability) performed at Invitae indicates that this missense variant is not expected to disrupt CLCN7 protein function. This variant has not been reported in the literature in individuals affected with CLCN7-related conditions. This variant is not present in population databases (gnomAD no frequency). This sequence change replaces valine, which is neutral and non-polar, with alanine, which is neutral and non-polar, at codon 423 of the CLCN7 protein (p.Val423Ala).

NM_001287.6(CLCN7):c.1268T>C (p.Val423Ala)

Gene: CLCN7 (chloride voltage-gated channel 7; minus strand). Cytogenetic location: 16p13.3.
Variant type: single nucleotide variant.
Coding change: c.1268T>C on transcript NM_001287.6 (MANE Select); coding-DNA position 1268, T replaced by C.
Protein change: p.Val423Ala; replaces valine 423 with alanine.
Molecular consequence: missense variant.
Genome position (GRCh38, 1-based): chr16:1,452,840, A>G on the plus strand (T>C on the coding strand, the complement: CLCN7 is on the minus strand). VCF-style: chr16-1452840-A-G. GRCh37 (hg19) VCF-style: chr16-1502841-A-G.
Other names: c.1196T>C, p.Val399Ala (NM_001114331.3); short protein forms V399A, V423A.
Identifiers: ClinVar variation 1718861 (VCV001718861.5), dbSNP rs2505824875, ClinGen allele CA394189205.